The following is an entry in ClinVar:

NM_001081.4(CUBN):c.2695A>G (p.Ile899Val)

Gene: CUBN (cubilin; minus strand). Cytogenetic location: 10p13.
Variant type: single nucleotide variant.
Coding change: c.2695A>G on transcript NM_001081.4 (MANE Select); coding-DNA position 2695, A replaced by G.
Protein change: p.Ile899Val; replaces isoleucine 899 with valine.
Molecular consequence: missense variant.
Genome position (GRCh38, 1-based): chr10:17,068,701, T>C on the plus strand (A>G on the coding strand, the complement: CUBN is on the minus strand). VCF-style: chr10-17068701-T-C. GRCh37 (hg19) VCF-style: chr10-17110700-T-C.
Other names: short protein forms I899V.
Identifiers: ClinVar variation 3690343 (VCV003690343.2).

ClinVar aggregate classification (germline): Uncertain significance (1 of 4 stars; one submission).

Conditions:
Imerslund-Grasbeck syndrome. Also called: ENTEROCYTE COBALAMIN MALABSORPTION; ENTEROCYTE INTRINSIC FACTOR RECEPTOR, DEFECT OF; PERNICIOUS ANEMIA, JUVENILE, DUE TO SELECTIVE INTESTINAL MALABSORPTION OF VITAMIN B12, WITH PROTEINURIA; Imerslund-Gräsbeck syndrome; Megaloblastic anemia due to inborn errors of metabolism. Identifiers: Orphanet 35858, MedGen C4551825, MONDO:0009853.

gnomAD v4.1: 1 of 1,611,988 alleles (0.000062%); highest among the groups gnomAD compares: African/African-American, 0.0013%; no homozygotes.

Submission:

Labcorp Genetics (formerly Invitae), Labcorp
Classification: Uncertain significance for Imerslund-Grasbeck syndrome. Last evaluated: 2024-05-31. Review status: criteria provided, single submitter. Criteria: Invitae Variant Classification Sherloc (09022015). Collection method: clinical testing. Allele origin: germline.
Comment: This sequence change replaces isoleucine, which is neutral and non-polar, with valine, which is neutral and non-polar, at codon 899 of the CUBN protein (p.Ile899Val). This variant is not present in population databases (gnomAD no frequency). This variant has not been reported in the literature in individuals affected with CUBN-related conditions. Advanced modeling of protein sequence and biophysical properties (such as structural, functional, and spatial information, amino acid conservation, physicochemical variation, residue mobility, and thermodynamic stability) performed at Invitae indicates that this missense variant is not expected to disrupt CUBN protein function with a negative predictive value of 80%. In summary, the available evidence is currently insufficient to determine the role of this variant in disease. Therefore, it has been classified as a Variant of Uncertain Significance.